The following is an entry in ClinVar:

ClinVar aggregate classification (germline): Benign/Likely benign. Review status: criteria provided, multiple submitters, no conflicts (2 of 4 stars). 3 submissions from 3 submitters: Benign (1); Likely benign (2). Last evaluated 2026-09-09.

Conditions:
SCN9A-related disorder. Also called: SCN9A-related disorders; SCN9A-related condition.
Generalized epilepsy with febrile seizures plus, type 7 (GEFSP7). Also called: GEFS+, TYPE 7. Identifiers: Orphanet 36387, MedGen C2751778, MONDO:0013470, OMIM 613863.
Neuropathy, hereditary sensory and autonomic, type 2A (HSAN2A). Also called: HSAN IIA; WNK1-Related HSAN2 (HSAN2A); MORVAN DISEASE; NEUROPATHY, CONGENITAL SENSORY; NEUROPATHY, HEREDITARY SENSORY RADICULAR, AUTOSOMAL RECESSIVE; NEUROPATHY, HEREDITARY SENSORY, TYPE IIA. Identifiers: Orphanet 970, MedGen C2752089, MONDO:0024309, OMIM 201300.

Allele frequency attached by ClinVar (database versions not stated): gnomAD below 0.00001 and 0.00006; TOPMed 0.00002; gnomAD exomes 0.00011 and 0.00019; ExAC 0.00020; 1000 Genomes Project 0.00060; 1000 Genomes Project 30x 0.00062.
gnomAD v4.1: 165 of 1,614,050 alleles (0.01%); highest among the groups gnomAD compares: South Asian, 0.18%; no homozygotes.

Submissions (3):

PreventionGenetics, part of Exact Sciences
Classification: Likely benign for SCN9A-related condition. Last evaluated: 2026-09-09. Review status: criteria provided, single submitter. Criteria: ACMG Guidelines, 2015. Collection method: clinical testing. Allele origin: germline.
Comment: This variant is classified as likely benign based on ACMG/AMP sequence variant interpretation guidelines (Richards et al. 2015 PMID: 25741868, with internal and published modifications).

Labcorp Genetics (formerly Invitae), Labcorp
Classification: Benign for Neuropathy, hereditary sensory and autonomic, type 2A; Generalized epilepsy with febrile seizures plus, type 7. Last evaluated: 2025-06-29. Review status: criteria provided, single submitter. Criteria: Invitae Variant Classification Sherloc (09022015). Collection method: clinical testing. Allele origin: germline.

Blueprint Genetics
Classification: Likely benign. Last evaluated: 2024-07-02. Review status: criteria provided, single submitter. Criteria: ACMG Guidelines, 2015. Collection method: clinical testing. Allele origin: germline.

NM_001365536.1(SCN9A):c.2613A>G (p.Leu871=)

Genes: SCN1A-AS1 (SCN1A and SCN9A antisense RNA 1; plus strand), SCN9A (sodium voltage-gated channel alpha subunit 9; minus strand). Cytogenetic location: 2q24.3.
Variant type: single nucleotide variant.
Coding change: c.2613A>G on transcript NM_001365536.1 (MANE Select); coding-DNA position 2613, A replaced by G.
Protein change: p.Leu871=; no amino-acid change (leucine 871 retained).
Molecular consequence: synonymous variant. On other transcripts: non-coding transcript variant (1).
Genome position (GRCh38, 1-based): chr2:166,277,244, T>C on the plus strand (A>G on the coding strand, the complement: SCN9A is on the minus strand). VCF-style: chr2-166277244-T-C. GRCh37 (hg19) VCF-style: chr2-167133754-T-C.
Other names: c.2580A>G, p.Leu860= (NM_002977.4).
Identifiers: ClinVar variation 706694 (VCV000706694.13), dbSNP rs200568637, ClinGen allele CA1944234.